The following is an entry in ClinVar:

ClinVar aggregate classification (germline): Uncertain significance (1 of 4 stars; one submission).

Conditions:
RASopathy. Also called: rasopathies; Noonan spectrum disorder. Identifiers: Orphanet 536391, MedGen C5555857, MONDO:0021060.

Allele frequency attached by ClinVar (database versions not stated): ExAC 0.00001; gnomAD exomes 0.00001.
gnomAD v4.1: 5 of 1,599,354 alleles (0.00031%); highest among the groups gnomAD compares: Admixed American, 0.0068%; no homozygotes.

Submission:

Labcorp Genetics (formerly Invitae), Labcorp
Classification: Uncertain significance for RASopathy. Last evaluated: 2021-06-21. Review status: criteria provided, single submitter. Criteria: Invitae Variant Classification Sherloc (09022015). Collection method: clinical testing. Allele origin: germline.
Comment: In summary, the available evidence is currently insufficient to determine the role of this variant in disease. Therefore, it has been classified as a Variant of Uncertain Significance. Advanced modeling of protein sequence and biophysical properties (such as structural, functional, and spatial information, amino acid conservation, physicochemical variation, residue mobility, and thermodynamic stability) performed at Invitae indicates that this missense variant is expected to disrupt SOS1 protein function. This variant has not been reported in the literature in individuals with SOS1-related conditions. This variant is present in population databases (rs781093356, ExAC 0.01%). This sequence change replaces tyrosine with cysteine at codon 8 of the SOS1 protein (p.Tyr8Cys). The tyrosine residue is moderately conserved and there is a large physicochemical difference between tyrosine and cysteine.

NM_005633.4(SOS1):c.23A>G (p.Tyr8Cys)

Genes: SOS1 (SOS Ras/Rac guanine nucleotide exchange factor 1; minus strand), LOC129933535 (ATAC-STARR-seq lymphoblastoid silent region 11384; plus strand). Cytogenetic location: 2p22.1.
Variant type: single nucleotide variant.
Coding change: c.23A>G on transcript NM_005633.4 (MANE Select); coding-DNA position 23, A replaced by G.
Protein change: p.Tyr8Cys; replaces tyrosine 8 with cysteine.
Molecular consequence: missense variant. On other transcripts: intron variant (1).
Genome position (GRCh38, 1-based): chr2:39,120,400, T>C on the plus strand (A>G on the coding strand, the complement: SOS1 is on the minus strand). VCF-style: chr2-39120400-T-C. GRCh37 (hg19) VCF-style: chr2-39347541-T-C.
Other names: c.23A>G, p.Tyr8Cys (NM_001382395.1); c.66+4264A>G (NM_001382394.1); short protein forms Y8C.
Identifiers: ClinVar variation 1394114 (VCV001394114.8), dbSNP rs781093356, ClinGen allele CA1624900.